The following is an entry in ClinVar:

NM_001197104.2(KMT2A):c.7517T>C (p.Met2506Thr)

Gene: KMT2A (lysine methyltransferase 2A; plus strand). Cytogenetic location: 11q23.3.
Variant type: single nucleotide variant.
Coding change: c.7517T>C on transcript NM_001197104.2 (MANE Select); coding-DNA position 7517, T replaced by C.
Protein change: p.Met2506Thr; replaces methionine 2506 with threonine.
Molecular consequence: missense variant.
Genome position (GRCh38, 1-based): chr11:118,503,409, T>C. VCF-style: chr11-118503409-T-C. GRCh37 (hg19) VCF-style: chr11-118374124-T-C.
Other names: c.7607T>C, p.Met2536Thr (NM_001412597.1); c.7508T>C, p.Met2503Thr (NM_005933.4); short protein forms M2536T, M2506T, M2503T.
Identifiers: ClinVar variation 1929724 (VCV001929724.5), dbSNP rs2496999558, ClinGen allele CA382805869.

ClinVar aggregate classification (germline): Uncertain significance (1 of 4 stars; one submission).

Submission:

Labcorp Genetics (formerly Invitae), Labcorp
Classification: Uncertain significance. Last evaluated: 2023-10-05. Review status: criteria provided, single submitter. Criteria: Invitae Variant Classification Sherloc (09022015). Collection method: clinical testing. Allele origin: germline.
Comment: This sequence change replaces methionine, which is neutral and non-polar, with threonine, which is neutral and polar, at codon 2506 of the KMT2A protein (p.Met2506Thr). This variant is not present in population databases (gnomAD no frequency). This variant has not been reported in the literature in individuals affected with KMT2A-related conditions. ClinVar contains an entry for this variant (Variation ID: 1929724). Advanced modeling of protein sequence and biophysical properties (such as structural, functional, and spatial information, amino acid conservation, physicochemical variation, residue mobility, and thermodynamic stability) performed at Invitae indicates that this missense variant is not expected to disrupt KMT2A protein function. In summary, the available evidence is currently insufficient to determine the role of this variant in disease. Therefore, it has been classified as a Variant of Uncertain Significance.